The following is an entry in ClinVar:

NM_001006658.3(CR2):c.1466C>G (p.Pro489Arg)

Gene: CR2 (complement C3d receptor 2; plus strand). Cytogenetic location: 1q32.2.
Variant type: single nucleotide variant.
Coding change: c.1466C>G on transcript NM_001006658.3 (MANE Select); coding-DNA position 1466, C replaced by G.
Protein change: p.Pro489Arg; replaces proline 489 with arginine.
Molecular consequence: missense variant.
Genome position (GRCh38, 1-based): chr1:207,471,060, C>G. VCF-style: chr1-207471060-C-G. GRCh37 (hg19) VCF-style: chr1-207644405-C-G.
Other names: c.1466C>G, p.Pro489Arg (NM_001877.5); short protein forms P489R.
Identifiers: ClinVar variation 2130356 (VCV002130356.2), dbSNP rs2527218101, ClinGen allele CA344531069.

ClinVar aggregate classification (germline): Uncertain significance (1 of 4 stars; one submission).

Conditions:
Immunodeficiency, common variable, 7. Identifiers: Orphanet 1572, Orphanet 696894, MedGen C3542922, MONDO:0013862, OMIM 614699.

Allele frequency attached by ClinVar (database versions not stated): gnomAD exomes below 0.00001.
gnomAD v4.1: 1 of 1,613,632 alleles (0.000062%); highest among the groups gnomAD compares: East Asian, 0.0022%; no homozygotes.

Submission:

Labcorp Genetics (formerly Invitae), Labcorp
Classification: Uncertain significance for Immunodeficiency, common variable, 7. Last evaluated: 2022-06-18. Review status: criteria provided, single submitter. Criteria: Invitae Variant Classification Sherloc (09022015). Collection method: clinical testing. Allele origin: germline.
Comment: In summary, the available evidence is currently insufficient to determine the role of this variant in disease. Therefore, it has been classified as a Variant of Uncertain Significance. Algorithms developed to predict the effect of missense changes on protein structure and function are either unavailable or do not agree on the potential impact of this missense change (SIFT: "Tolerated"; PolyPhen-2: "Possibly Damaging"; Align-GVGD: "Class C0"). This variant has not been reported in the literature in individuals affected with CR2-related conditions. This variant is not present in population databases (gnomAD no frequency). This sequence change replaces proline, which is neutral and non-polar, with arginine, which is basic and polar, at codon 489 of the CR2 protein (p.Pro489Arg).